The following is an entry in ClinVar:

ClinVar aggregate classification (germline): Benign. Review status: criteria provided, multiple submitters, no conflicts (2 of 4 stars). 4 submissions from 4 submitters: Benign (3). 1 of the submissions does not count toward it. Last evaluated 2026-02-04.

Conditions:
SFRP4-related disorder. Also called: SFRP4-related condition.
Pyle metaphyseal dysplasia (PYL). Also called: Pyle disease; Metaphyseal dysostosis. Identifiers: Orphanet 3005, MedGen C0265294, MONDO:0009943, OMIM 265900.

Allele frequency attached by ClinVar (database versions not stated): gnomAD exomes 0.39924 and 0.43676; TOPMed 0.46257; ESP Exome Variant Server 0.43111; ExAC 0.43821; 1000 Genomes Project 0.54273; 1000 Genomes Project 30x 0.54294.
gnomAD v4.1: 653,179 of 1,612,272 alleles (41%); highest among the groups gnomAD compares: African/African-American, 58%; 135,524 homozygotes.

Submissions (4):

Labcorp Genetics (formerly Invitae), Labcorp
Classification: Benign. Last evaluated: 2026-02-04. Review status: criteria provided, single submitter. Criteria: Invitae Variant Classification Sherloc (09022015). Collection method: clinical testing. Allele origin: germline.

Genome-Nilou Lab
Classification: Benign for Pyle metaphyseal dysplasia. Last evaluated: 2021-07-15. Review status: criteria provided, single submitter. Criteria: ACMG Guidelines, 2015. Collection method: clinical testing. Allele origin: germline. Affected: no.

GeneDx
Classification: Benign. Last evaluated: 2021-02-25. Review status: criteria provided, single submitter. Criteria: GeneDx Variant Classification Process June 2021. Collection method: clinical testing. Allele origin: germline. Affected: yes.
Comment: This variant is associated with the following publications: (PMID: 26715268)

PreventionGenetics, part of Exact Sciences
Classification: Benign for SFRP4-related condition. Last evaluated: 2019-10-17. Review status: no assertion criteria provided. Collection method: clinical testing. Allele origin: germline. Not counted in ClinVar's aggregate classification.
Comment: This variant is classified as benign based on ACMG/AMP sequence variant interpretation guidelines (Richards et al. 2015 PMID: 25741868, with internal and published modifications).

NM_003014.4(SFRP4):c.958C>A (p.Pro320Thr)

Gene: SFRP4 (secreted frizzled related protein 4; minus strand). Cytogenetic location: 7p14.1.
Variant type: single nucleotide variant.
Coding change: c.958C>A on transcript NM_003014.4 (MANE Select); coding-DNA position 958, C replaced by A.
Protein change: p.Pro320Thr; replaces proline 320 with threonine.
Molecular consequence: missense variant.
Genome position (GRCh38, 1-based): chr7:37,907,562, G>T on the plus strand (C>A on the coding strand, the complement: SFRP4 is on the minus strand). VCF-style: chr7-37907562-G-T. GRCh37 (hg19) VCF-style: chr7-37947164-G-T.
Other names: short protein forms P320T.
Identifiers: ClinVar variation 1287094 (VCV001287094.13), dbSNP rs1802073, ClinGen allele CA4222670.